The following is an entry in ClinVar:

NM_001367871.1(FBRSL1):c.1629+71G>A

Gene: FBRSL1 (fibrosin like 1; plus strand). Cytogenetic location: 12q24.33.
Variant type: single nucleotide variant.
Coding change: c.1629+71G>A on transcript NM_001367871.1 (MANE Select); 71 bases into the intron after coding-DNA position 1629, G replaced by A.
Molecular consequence: intron variant. On other transcripts: missense variant (1).
Genome position (GRCh38, 1-based): chr12:132,574,419, G>A. VCF-style: chr12-132574419-G-A. GRCh37 (hg19) VCF-style: chr12-133151005-G-A.
Other names: c.1685G>A, p.Arg562His (NM_001142641.2); c.1683+71G>A (NM_001382739.1); c.1213+3879G>A (NM_001382740.1); short protein forms R562H.
Identifiers: ClinVar variation 2386750 (VCV002386750.6), dbSNP rs376038505, ClinGen allele CA6891034.

ClinVar aggregate classification (germline): Conflicting classifications of pathogenicity. Review status: criteria provided, conflicting classifications (1 of 4 stars). 2 submissions from 2 submitters: Uncertain significance (1); Likely benign (1). Last evaluated 2026-01-01.

Allele frequency attached by ClinVar (database versions not stated): ExAC 0.00012; 1000 Genomes Project 30x 0.00016; gnomAD 0.00018; 1000 Genomes Project 0.00020; ESP Exome Variant Server 0.00066.
gnomAD v4.1: 292 of 1,548,264 alleles (0.019%); highest among the groups gnomAD compares: Non-Finnish European, 0.022%; 1 homozygote.

Submissions (2):

CeGaT Center for Human Genetics Tuebingen
Classification: Likely benign. Last evaluated: 2026-01-01. Review status: criteria provided, single submitter. Criteria: CeGaT Center For Human Genetics Tuebingen Variant Classification Criteria Version 2. Collection method: clinical testing. Allele origin: germline. Affected: yes. Observed: 2 variant alleles.
Comment: FBRSL1: BP4, BS2

Ambry Genetics
Classification: Uncertain significance. Last evaluated: 2022-08-11. Review status: criteria provided, single submitter. Criteria: Ambry Variant Classification Scheme 2023. Collection method: clinical testing. Allele origin: germline.